The following is an entry in ClinVar:

ClinVar aggregate classification (germline): Uncertain significance (1 of 4 stars; one submission).

Conditions:
Hereditary cancer-predisposing syndrome. Also called: Neoplastic Syndromes, Hereditary; Tumor predisposition; Hereditary Cancer Syndrome; Hereditary neoplastic syndrome. Identifiers: Orphanet 140162, MedGen C0027672, MeSH D009386, MONDO:0015356.

Submission:

Ambry Genetics
Classification: Uncertain significance for Hereditary cancer-predisposing syndrome. Last evaluated: 2022-06-01. Review status: criteria provided, single submitter. Criteria: Ambry Variant Classification Scheme 2023. Collection method: clinical testing. Allele origin: germline.
Comment: The p.A295S variant (also known as c.883G>T), located in coding exon 8 of the EPCAM gene, results from a G to T substitution at nucleotide position 883. The alanine at codon 295 is replaced by serine, an amino acid with similar properties. This amino acid position is conserved. In addition, this alteration is predicted to be tolerated by in silico analysis. Since supporting evidence is limited at this time, the clinical significance of this alteration remains unclear.

NM_002354.3(EPCAM):c.883G>T (p.Ala295Ser)

Gene: EPCAM (epithelial cell adhesion molecule; plus strand). Cytogenetic location: 2p21.
Variant type: single nucleotide variant.
Coding change: c.883G>T on transcript NM_002354.3 (MANE Select); coding-DNA position 883, G replaced by T.
Protein change: p.Ala295Ser; replaces alanine 295 with serine.
Molecular consequence: missense variant.
Genome position (GRCh38, 1-based): chr2:47,385,190, G>T. VCF-style: chr2-47385190-G-T. GRCh37 (hg19) VCF-style: chr2-47612329-G-T.
Other names: short protein forms A295S.
Identifiers: ClinVar variation 1764849 (VCV001764849.2), dbSNP rs2103768534, ClinGen allele CA346725315.